The following is an entry in ClinVar:

ClinVar aggregate classification (germline): Uncertain significance (1 of 4 stars; one submission).

Conditions:
Platelet-type bleeding disorder 15 (BDPLT15). Also called: MACROTHROMBOCYTOPENIA, AUTOSOMAL DOMINANT, ACTN1-RELATED. Identifiers: Orphanet 140957, MedGen C3554663, MONDO:0014078, OMIM 615193.

Allele frequency attached by ClinVar (database versions not stated): gnomAD 0.00001.
gnomAD v4.1: 1 of 1,613,642 alleles (0.000062%); highest among the groups gnomAD compares: Non-Finnish European, 0.000085%; no homozygotes.

Submission:

ISTH-SSC Genomics in Thrombosis and Hemostasis, KU Leuven, Center for Molecular and Vascular Biology
Classification: Uncertain significance for Platelet-type bleeding disorder 15. Review status: criteria provided, single submitter. Criteria: ACMG Guidelines, 2015. Collection method: clinical testing. Allele origin: germline. Affected: yes. Observed: 1 heterozygote.
Comment: Submitted to the GoldVariant database by Dr Marie-Christine Morel-Kopp; Northern Blood Research Centre, Sydney, Australia

NM_001130004.2(ACTN1):c.767A>C (p.Glu256Ala)

Gene: ACTN1 (actinin alpha 1; minus strand). Cytogenetic location: 14q24.1.
Variant type: single nucleotide variant.
Coding change: c.767A>C on transcript NM_001130004.2 (MANE Select); coding-DNA position 767, A replaced by C.
Protein change: p.Glu256Ala; replaces glutamic acid 256 with alanine.
Molecular consequence: missense variant.
Genome position (GRCh38, 1-based): chr14:68,893,743, T>G on the plus strand (A>C on the coding strand, the complement: ACTN1 is on the minus strand). VCF-style: chr14-68893743-T-G. GRCh37 (hg19) VCF-style: chr14-69360460-T-G.
Other names: c.767A>C, p.Glu256Ala (NM_001102.4, NM_001130005.2, NM_001411035.1); c.572A>C, p.Glu191Ala (NM_001411036.1); short protein forms E191A, E256A.
Identifiers: ClinVar variation 2572111 (VCV002572111.1), dbSNP rs2032678831, ClinGen allele CA390189368.